The following is an entry in ClinVar:

NM_004972.4(JAK2):c.3350G>C (p.Arg1117Thr)

Genes: INSL6 (insulin like 6; minus strand), JAK2 (Janus kinase 2; plus strand). Cytogenetic location: 9p24.1.
Variant type: single nucleotide variant.
Coding change: c.3350G>C on transcript NM_004972.4 (MANE Select); coding-DNA position 3350, G replaced by C.
Protein change: p.Arg1117Thr; replaces arginine 1117 with threonine.
Molecular consequence: missense variant. On other transcripts: non-coding transcript variant (2).
Genome position (GRCh38, 1-based): chr9:5,126,742, G>C. VCF-style: chr9-5126742-G-C. GRCh37 (hg19) VCF-style: chr9-5126742-G-C.
Other names: c.3350G>C, p.Arg1117Thr (NM_001322194.2, NM_001322195.2, NM_001322196.2); c.2135G>C, p.Arg712Thr (NM_001322198.2, NM_001322199.2); c.2903G>C, p.Arg968Thr (NM_001322204.2); short protein forms R1117T, R712T, R968T.
Identifiers: ClinVar variation 4875123 (VCV004875123.2).
Genomic context (GRCh38, chr9:5,126,742, plus strand): 5'-AGATCTATATGATCATGACAGAATGCTGGAACAATAATGTAAATCAACGCCCCTCCTTTA[G>C]GGATCTAGCTCTTCGAGTGGATCAAATAAGGGATAACATGGCTGGATGAAAGAAATGACC-3'
Protein context (NP_004963.1, residues 1107-1127): NNNVNQRPSF[Arg1117Thr]DLALRVDQIR

ClinVar aggregate classification (germline): Uncertain significance (1 of 4 stars; one submission).

gnomAD v4.1: 2 of 1,611,054 alleles (0.00012%); highest among the groups gnomAD compares: Non-Finnish European, 0.00017%; no homozygotes.

Submission:

CeGaT Center for Human Genetics Tuebingen
Classification: Uncertain significance. Last evaluated: 2026-06-01. Review status: criteria provided, single submitter. Criteria: CeGaT Center For Human Genetics Tuebingen Variant Classification Criteria Version 2. Collection method: clinical testing. Allele origin: germline. Affected: yes. Observed: 1 variant allele.
Comment: JAK2: PM2, BP4